The following is an entry in ClinVar:

ClinVar aggregate classification (germline): Uncertain significance (1 of 4 stars; one submission).

Conditions:
Hereditary cancer-predisposing syndrome. Also called: Neoplastic Syndromes, Hereditary; Tumor predisposition; Hereditary neoplastic syndrome; Hereditary Cancer Syndrome. Identifiers: Orphanet 140162, MedGen C0027672, MeSH D009386, MONDO:0015356.

Submission:

Ambry Genetics
Classification: Uncertain significance for Hereditary cancer-predisposing syndrome. Last evaluated: 2024-02-06. Review status: criteria provided, single submitter. Criteria: Ambry Variant Classification Scheme 2023. Collection method: clinical testing. Allele origin: germline.
Comment: The p.P492A variant (also known as c.1474C>G), located in coding exon 14 of the NF2 gene, results from a C to G substitution at nucleotide position 1474. The proline at codon 492 is replaced by alanine, an amino acid with highly similar properties. This amino acid position is conserved. In addition, the in silico prediction for this alteration is inconclusive. Based on the available evidence, the clinical significance of this alteration remains unclear.

NM_000268.4(NF2):c.1474C>G (p.Pro492Ala)

Gene: NF2 (NF2, moesin-ezrin-radixin like (MERLIN) tumor suppressor; plus strand). Cytogenetic location: 22q12.2.
Variant type: single nucleotide variant.
Coding change: c.1474C>G on transcript NM_000268.4 (MANE Select); coding-DNA position 1474, C replaced by G.
Protein change: p.Pro492Ala; replaces proline 492 with alanine.
Molecular consequence: missense variant. On other transcripts: non-coding transcript variant (1), intron variant (1).
Genome position (GRCh38, 1-based): chr22:29,678,223, C>G. VCF-style: chr22-29678223-C-G. GRCh37 (hg19) VCF-style: chr22-30074212-C-G.
Other names: c.1360C>G, p.Pro454Ala (NM_001407053.1, NM_001407056.1); c.1351C>G, p.Pro451Ala (NM_001407054.1, NM_001407058.1, NM_181829.3); c.1348C>G, p.Pro450Ala (NM_001407055.1, NM_181828.3); c.1339C>G, p.Pro447Ala (NM_001407057.1, NM_001407059.1); c.1474C>G, p.Pro492Ala (NM_001407060.1, NM_001407066.1, NM_016418.5 and 2 more transcripts); c.1216C>G, p.Pro406Ala (NM_001407062.1); c.1225C>G, p.Pro409Ala (NM_001407063.1, NM_001407064.1, NM_181830.3 and 1 more transcripts); c.940C>G, p.Pro314Ala (NM_001407065.1); and 2 more; short protein forms P314A, P406A, P409A, P415A, P447A, P450A, P451A, P454A.
Identifiers: ClinVar variation 3231078 (VCV003231078.1), dbSNP rs1395872275, ClinGen allele CA411149590.